The following is an entry in ClinVar:

NM_000069.3(CACNA1S):c.4132G>A (p.Ala1378Thr)

Gene: CACNA1S (calcium voltage-gated channel subunit alpha1 S; minus strand). Cytogenetic location: 1q32.1.
Variant type: single nucleotide variant.
Coding change: c.4132G>A on transcript NM_000069.3 (MANE Select); coding-DNA position 4132, G replaced by A.
Protein change: p.Ala1378Thr; replaces alanine 1378 with threonine.
Molecular consequence: missense variant.
Genome position (GRCh38, 1-based): chr1:201,050,498, C>T on the plus strand (G>A on the coding strand, the complement: CACNA1S is on the minus strand). VCF-style: chr1-201050498-C-T. GRCh37 (hg19) VCF-style: chr1-201019626-C-T.
Other names: short protein forms A1378T.
Identifiers: ClinVar variation 3071910 (VCV003071910.1), dbSNP rs1272205273, ClinGen allele CA344148926.

ClinVar aggregate classification (germline): Uncertain significance (1 of 4 stars; one submission).

Conditions:
Malignant hyperthermia, susceptibility to, 5 (MHS5). Also called: CACNA1S-Related Malignant Hyperthermia Susceptibility. Identifiers: Orphanet 423, MedGen C1866077, MONDO:0011163, OMIM 601887.

Allele frequency attached by ClinVar (database versions not stated): TOPMed below 0.00001; gnomAD 0.00001.
gnomAD v4.1: 4 of 1,613,970 alleles (0.00025%); highest among the groups gnomAD compares: Non-Finnish European, 0.00025%; no homozygotes.

Submission:

All of Us Research Program, National Institutes of Health
Classification: Uncertain significance for Malignant hyperthermia, susceptibility to, 5. Last evaluated: 2023-06-26. Review status: criteria provided, single submitter. Criteria: ACMG Guidelines, 2015. Collection method: clinical testing. Allele origin: germline. Inheritance: Autosomal dominant inheritance. Observed: 1 variant allele, 1 heterozygote.
Comment: This missense variant replaces alanine with threonine at codon 1378 of the CACNA1S protein. Computational prediction suggests that this variant may have deleterious impact on protein structure and function (internally defined REVEL score threshold >= 0.7, PMID: 27666373). To our knowledge, functional studies have not been reported for this variant. This variant has not been reported in individuals affected with CACNA1S-related disorders in the literature. This variant has not been identified in the general population by the Genome Aggregation Database (gnomAD). The available evidence is insufficient to determine the role of this variant in disease conclusively. Therefore, this variant is classified as a Variant of Uncertain Significance.

This study involves interpretation of variants in research participants for the purpose of population health screening. Participant phenotype was not available at the time of variant classification. Additional details can be found in publication PMID: 35346344, PMCID: PMC8962531